The following is an entry in ClinVar:

ClinVar aggregate classification (germline): Uncertain significance (1 of 4 stars; one submission).

Conditions:
Long QT syndrome 1 (LQT1). Identifiers: Orphanet 101016, Orphanet 768, MedGen C4551647, MONDO:0100316, OMIM 192500, MONDO:0008646.

Submission:

Labcorp Genetics (formerly Invitae), Labcorp
Classification: Uncertain significance for Long QT syndrome 1. Last evaluated: 2024-09-11. Review status: criteria provided, single submitter. Criteria: Invitae Variant Classification Sherloc (09022015). Collection method: clinical testing. Allele origin: germline.
Comment: This sequence change replaces glutamic acid, which is acidic and polar, with alanine, which is neutral and non-polar, at codon 124 of the CALM2 protein (p.Glu124Ala). This variant is not present in population databases (gnomAD no frequency). This variant has not been reported in the literature in individuals affected with CALM2-related conditions. An algorithm developed to predict the effect of missense changes on protein structure and function (PolyPhen-2) suggests that this variant is likely to be disruptive. In summary, the available evidence is currently insufficient to determine the role of this variant in disease. Therefore, it has been classified as a Variant of Uncertain Significance.

NM_001743.6(CALM2):c.371A>C (p.Glu124Ala)

Gene: CALM2 (calmodulin 2; minus strand). Cytogenetic location: 2p21.
Variant type: single nucleotide variant.
Coding change: c.371A>C on transcript NM_001743.6 (MANE Select); coding-DNA position 371, A replaced by C.
Protein change: p.Glu124Ala; replaces glutamic acid 124 with alanine.
Molecular consequence: missense variant.
Genome position (GRCh38, 1-based): chr2:47,161,773, T>G on the plus strand (A>C on the coding strand, the complement: CALM2 is on the minus strand). VCF-style: chr2-47161773-T-G. GRCh37 (hg19) VCF-style: chr2-47388912-T-G.
Other names: c.515A>C, p.Glu172Ala (NM_001305624.1); c.263A>C, p.Glu88Ala (NM_001305625.2, NM_001305626.1); short protein forms E88A, E172A, E124A.
Identifiers: ClinVar variation 3691085 (VCV003691085.2).